The following is an entry in ClinVar:

NM_000747.3(CHRNB1):c.516C>G (p.Tyr172Ter)

Gene: CHRNB1 (cholinergic receptor nicotinic beta 1 subunit; plus strand). Cytogenetic location: 17p13.1.
Variant type: single nucleotide variant.
Coding change: c.516C>G on transcript NM_000747.3 (MANE Select); coding-DNA position 516, C replaced by G.
Protein change: p.Tyr172Ter; replaces tyrosine 172 with a stop codon.
Molecular consequence: nonsense.
Genome position (GRCh38, 1-based): chr17:7,447,556, C>G. VCF-style: chr17-7447556-C-G. GRCh37 (hg19) VCF-style: chr17-7350875-C-G.
Other names: short protein forms Y172*.
Identifiers: ClinVar variation 476151 (VCV000476151.16), dbSNP rs201033437, ClinGen allele CA8347800.
Genomic context (GRCh38, chr17:7,447,556, plus strand): 5'-CATCCAGGTCACCTACTTCCCCTTCGACTGGCAGAATTGCACTATGGTGTTCAGCTCCTA[C>G]AGCTACGACAGCTCGGAGGTCAGCCTGCAGACAGGCCTGGGTCCTGACGGGCAAGGGCAT-3'

ClinVar aggregate classification (germline): Conflicting classifications of pathogenicity. Review status: criteria provided, conflicting classifications (1 of 4 stars). 3 submissions from 3 submitters: Pathogenic (1); Likely pathogenic (1); Uncertain significance (1). Last evaluated 2025-09-19.

Conditions:
CHRNB1-related disorder. Also called: CHRNB1-related condition.
Congenital myasthenic syndrome 2A. Also called: Myasthenic syndrome, congenital, 2a, slow-channel. Identifiers: Orphanet 590, MedGen C4225374, MONDO:0014581, OMIM 616313.
Congenital myasthenic syndrome 4C (CMS4C). Also called: Myasthenic syndrome, congenital, associated with acetylcholine receptor deficiency. Identifiers: Orphanet 590, MedGen C1837091, MONDO:0012157, OMIM 608931.

Allele frequency attached by ClinVar (database versions not stated): gnomAD 0.00003 and 0.00004; TOPMed 0.00003.
gnomAD v4.1: 99 of 1,614,102 alleles (0.0061%); highest among the groups gnomAD compares: Non-Finnish European, 0.008%; no homozygotes.

Submissions (3):

PreventionGenetics, part of Exact Sciences
Classification: Likely pathogenic for CHRNB1-related condition. Last evaluated: 2025-09-19. Review status: criteria provided, single submitter. Criteria: ACMG Guidelines, 2015. Collection method: clinical testing. Allele origin: germline.
Comment: The CHRNB1 c.516C>G variant is predicted to result in premature protein termination (p.Tyr172*). This variant, referred to using legacy nomenclature as Y149X, was reported in the compound heterozygous state with a second causative CHRNB1 missense variant in an individual with an early-onset congenital myasthenic syndrome (Müller et al. 2006. 10.1016/j.nmd.2006.05.068). This variant is reported in 0.0070% of alleles in individuals of European (Non-Finnish) descent in gnomAD. Nonsense variants in CHRNB1 are expected to be pathogenic. This variant is interpreted as likely pathogenic.

Revvity Omics, Revvity
Classification: Uncertain significance. Last evaluated: 2024-09-26. Review status: criteria provided, single submitter. Criteria: ACMG Guidelines, 2015. Collection method: clinical testing. Allele origin: germline.

Labcorp Genetics (formerly Invitae), Labcorp
Classification: Pathogenic for Congenital myasthenic syndrome 2A. Last evaluated: 2022-10-31. Review status: criteria provided, single submitter. Criteria: Invitae Variant Classification Sherloc (09022015). Collection method: clinical testing. Allele origin: germline.
Comment: For these reasons, this variant has been classified as Pathogenic. ClinVar contains an entry for this variant (Variation ID: 476151). This variant has not been reported in the literature in individuals affected with CHRNB1-related conditions. This variant is present in population databases (rs201033437, gnomAD 0.007%). This sequence change creates a premature translational stop signal (p.Tyr172*) in the CHRNB1 gene. It is expected to result in an absent or disrupted protein product. Loss-of-function variants in CHRNB1 are known to be pathogenic (PMID: 10562302).

Literature cited by the submitters: PubMed 10562302 (cited by Labcorp Genetics (formerly Invitae), Labcorp).